The following is an entry in ClinVar:

ClinVar aggregate classification (germline): Pathogenic (1 of 4 stars; one submission).

Submission:

Labcorp Genetics (formerly Invitae), Labcorp
Classification: Pathogenic. Last evaluated: 2020-07-22. Review status: criteria provided, single submitter. Criteria: Invitae Variant Classification Sherloc (09022015). Collection method: clinical testing. Allele origin: germline.
Comment: For these reasons, this variant has been classified as Pathogenic. Loss-of-function variants in ABCA4 are known to be pathogenic (PMID: 10958761, 24938718, 25312043, 26780318). This variant has not been reported in the literature in individuals with ABCA4-related conditions. This variant is not present in population databases (ExAC no frequency). This sequence change creates a premature translational stop signal (p.Gln1003Argfs*28) in the ABCA4 gene. It is expected to result in an absent or disrupted protein product.

Literature cited by the submitters: PubMed 10958761; PubMed 24938718; PubMed 25312043; PubMed 26780318.

NM_000350.3(ABCA4):c.3006del (p.Gln1003fs)

Gene: ABCA4 (ATP binding cassette subfamily A member 4; minus strand). Cytogenetic location: 1p22.1.
Variant type: Deletion.
Coding change: c.3006del on transcript NM_000350.3 (MANE Select); coding-DNA position 3006, one base deleted (G; older notation c.3006delG).
Protein change: p.Gln1003fs; shifts the reading frame from glutamine 1003.
Molecular consequence: frameshift variant.
Genome position (GRCh38, 1-based): chr1:94,044,657, C deleted on the plus strand (G on the coding strand, the reverse complement: ABCA4 is on the minus strand); the first of 2 consecutive C bases (chr1:94,044,657-94,044,658); deleting either gives the same sequence. VCF-style (leftmost placement, unchanged base first): chr1-94044656-GC-G. GRCh37 (hg19) VCF-style: chr1-94510212-GC-G.
Other names: c.2783delG, p.Gln929Argfs (NM_001425324.1); short protein forms Q1003fs.
Identifiers: ClinVar variation 1072492 (VCV001072492.7), dbSNP rs2101053424, ClinGen allele CA2499214891.
Genomic context (GRCh38, chr1:94,044,656, plus strand): 5'-GTTCCTGTGTCGCTTACTGGTGGAACAGGATGTTGTGCTGTGGACACATGCCAAGGCTCT[GC>G]CGGACTGCATCCAGGCTGGTTTCAATGTCCCTTCCCCCAACGAGCACAGTCCCAGAGGTT-3'